The following is an entry in ClinVar:

ClinVar aggregate classification (germline): Pathogenic (1 of 4 stars; one submission).

Conditions:
Fetal anomalies with a likely genetic cause.

Submission:

Genetics Laboratory, Great Ormond Street Hospital NHS Foundation Trust, North Thames Genomic Laboratory Hub
Classification: Pathogenic for Fetal anomalies with a likely genetic cause. Last evaluated: 2026-08-17. Review status: criteria provided, single submitter. Criteria: ACGS Best Practice Guidelines for Variant Classification in Rare Disease 2024 v1.2. Collection method: clinical testing. Allele origin: germline. Affected: yes.
Comment: PM2_moderate, PVS1_very-strong

NM_018136.5(ASPM):c.85dup (p.Ala29fs)

Genes: ASPM (assembly factor for spindle microtubules; minus strand), LOC129932155 (ATAC-STARR-seq lymphoblastoid silent region 1659; plus strand). Cytogenetic location: 1q31.3.
Variant type: Duplication.
Coding change: c.85dup on transcript NM_018136.5 (MANE Select); coding-DNA position 85, one base duplicated (G; older notation c.85dupG).
Protein change: p.Ala29fs; shifts the reading frame from alanine 29.
Molecular consequence: frameshift variant.
Genome position (GRCh38, 1-based): chr1:197,146,353, C duplicated on the plus strand (G on the coding strand, the reverse complement: ASPM is on the minus strand); the first of 2 consecutive C bases (chr1:197,146,353-197,146,354); duplicating either gives the same sequence. VCF-style (leftmost placement, unchanged base first): chr1-197146352-G-GC. GRCh37 (hg19) VCF-style: chr1-197115482-G-GC.
Other names: c.85dup, p.Ala29fs (NM_001206846.2); short protein forms A29fs.
Identifiers: ClinVar variation 5020104 (VCV005020104.1).
Genomic context (GRCh38, chr1:197,146,352, plus strand): 5'-AAAGGAGACCTGCAGAAGTGGCTGAGAGACAGGACCGGCGGGGAAGACGCCTCCTCCTCG[G>GC]CCGCGGGGCCCCGCAGCCCCGCGGGCGGCCTCCGCTCGGTCGGGCTCACTTCCCAGCAGC-3'